The following is an entry in ClinVar:

NM_030665.4(RAI1):c.559A>G (p.Lys187Glu)

Gene: RAI1 (retinoic acid induced 1; plus strand). Cytogenetic location: 17p11.2.
Variant type: single nucleotide variant.
Coding change: c.559A>G on transcript NM_030665.4 (MANE Select); coding-DNA position 559, A replaced by G.
Protein change: p.Lys187Glu; replaces lysine 187 with glutamic acid.
Molecular consequence: missense variant.
Genome position (GRCh38, 1-based): chr17:17,793,507, A>G. VCF-style: chr17-17793507-A-G. GRCh37 (hg19) VCF-style: chr17-17696821-A-G.
Other names: short protein forms K187E.
Identifiers: ClinVar variation 1311149 (VCV001311149.2), dbSNP rs2143001624, ClinGen allele CA398545721.

ClinVar aggregate classification (germline): Uncertain significance (1 of 4 stars; one submission).

Submission:

GeneDx
Classification: Uncertain significance. Last evaluated: 2019-12-06. Review status: criteria provided, single submitter. Criteria: GeneDx Variant Classification Process June 2021. Collection method: clinical testing. Allele origin: germline. Affected: yes.
Comment: Not observed in large population cohorts (Lek et al., 2016); In silico analysis, which includes protein predictors and evolutionary conservation, supports that this variant does not alter protein structure/function; Has not been previously published as pathogenic or benign to our knowledge